The following is an entry in ClinVar:

ClinVar aggregate classification (germline): Uncertain significance (1 of 4 stars; one submission).

Conditions:
Ataxia-telangiectasia syndrome (AT). Also called: Ataxia-telangiectasia, complementation group D; AT, COMPLEMENTATION GROUP C; ATAXIA-TELANGIECTASIA, COMPLEMENTATION GROUP A; ATAXIA-TELANGIECTASIA, FRESNO VARIANT; Ataxia-telangiectasia; Ataxia telangiectasia (A-T). Identifiers: Orphanet 100, MedGen C0004135, MONDO:0008840, OMIM 208900.

Submission:

Labcorp Genetics (formerly Invitae), Labcorp
Classification: Uncertain significance for Ataxia-telangiectasia syndrome. Last evaluated: 2019-10-28. Review status: criteria provided, single submitter. Criteria: Invitae Variant Classification Sherloc (09022015). Collection method: clinical testing. Allele origin: germline.
Comment: This sequence change replaces leucine with isoleucine at codon 1975 of the ATM protein (p.Leu1975Ile). The leucine residue is weakly conserved and there is a small physicochemical difference between leucine and isoleucine. This variant is not present in population databases (ExAC no frequency). This variant has not been reported in the literature in individuals with ATM-related conditions. Algorithms developed to predict the effect of missense changes on protein structure and function (SIFT, PolyPhen-2, Align-GVGD) all suggest that this variant is likely to be tolerated, but these predictions have not been confirmed by published functional studies and their clinical significance is uncertain. In summary, the available evidence is currently insufficient to determine the role of this variant in disease. Therefore, it has been classified as a Variant of Uncertain Significance.

NM_000051.4(ATM):c.5923C>A (p.Leu1975Ile)

Genes: ATM (ATM serine/threonine kinase; plus strand), C11orf65 (chromosome 11 open reading frame 65; minus strand). Cytogenetic location: 11q22.3.
Variant type: single nucleotide variant.
Coding change: c.5923C>A on transcript NM_000051.4 (MANE Select); coding-DNA position 5923, C replaced by A.
Protein change: p.Leu1975Ile; replaces leucine 1975 with isoleucine.
Molecular consequence: missense variant. On other transcripts: intron variant (2).
Genome position (GRCh38, 1-based): chr11:108,312,415, C>A. VCF-style: chr11-108312415-C-A. GRCh37 (hg19) VCF-style: chr11-108183142-C-A.
Other names: c.5923C>A, p.Leu1975Ile (NM_001351834.2); c.641-3344G>T (NM_001330368.2); c.*39-3344G>T (NM_001351110.2); short protein forms L1975I.
Identifiers: ClinVar variation 953273 (VCV000953273.10), dbSNP rs2084241290, ClinGen allele CA382548637.